The following is an entry in ClinVar:

NM_001374828.1(ARID1B):c.1247_1261dup (p.Gly420_Ala421insGlyAlaGlyAlaGly)

Gene: ARID1B (AT-rich interaction domain 1B; plus strand). Cytogenetic location: 6q25.3.
Variant type: Duplication.
Coding change: c.1247_1261dup on transcript NM_001374828.1 (MANE Select); coding-DNA positions 1247 to 1261, 15 bases duplicated (GAGCAGGAGCGGGAG).
Protein change: p.Gly420_Ala421insGlyAlaGlyAlaGly.
Molecular consequence: inframe insertion. On other transcripts: inframe indel (1).
Genome position (GRCh38, 1-based): chr6:156,778,927-156,778,941, GAGCAGGAGCGGGAG duplicated; duplicating any 15 consecutive bases within chr6:156,778,923-156,778,941 gives the same sequence; the c. name uses the placement nearest the transcript's 3' end. VCF-style (leftmost placement, unchanged base first): chr6-156778922-A-AGGAGGAGCAGGAGCG. GRCh37 (hg19) VCF-style: chr6-157100056-A-AGGAGGAGCAGGAGCG.
Other names: c.998_1012dup15 (NM_020732.3); c.1247_1261dup, p.Gly420_Ala421insGlyAlaGlyAlaGly (NM_001371656.1, NM_001374820.1, NM_017519.3).
Identifiers: ClinVar variation 2633037 (VCV002633037.1), dbSNP rs2546835960, ClinGen allele CA2680909342.
Genomic context (GRCh38, chr6:156,778,922, plus strand): 5'-CGGCGGCGGCGGAGGAGGAGGAGGCAGCGGAGGAGGAGGAGGAGGAGGAGGAGCAGGAGC[A>AGGAGGAGCAGGAGCG]GGAGGAGCAGGAGCGGGAGCTGTGGCGGCGGCGGCCGCGGCGGCGGCGGCAGCAGCAGGA-3'

ClinVar aggregate classification (germline): Uncertain significance (1 of 4 stars; one submission).

Conditions:
ARID1B-Related Disorder. Identifiers: MedGen CN381337.

Submission:

PreventionGenetics, part of Exact Sciences
Classification: Uncertain significance for ARID1B-related condition. Last evaluated: 2023-05-06. Review status: criteria provided, single submitter. Criteria: ACMG Guidelines, 2015. Collection method: clinical testing. Allele origin: germline.
Comment: The ARID1B c.998_1012dup15 variant is predicted to result in an in-frame duplication (p.Gly333_Gly337dup). To our knowledge, this variant has not been reported in the literature or in a large population database. However, this variant occurs in a region of low complexity repetitive DNA, and the gnomAD data may be unreliable. At this time, the clinical significance of this variant is uncertain due to the absence of conclusive functional and genetic evidence.